The following is an entry in ClinVar:

ClinVar aggregate classification (germline): Uncertain significance (1 of 4 stars; one submission).

Conditions:
Charcot-Marie-Tooth disease type 2. Also called: Charcot-Marie-Tooth type 2. Identifiers: Orphanet 64746, MedGen C0270914, MONDO:0018993.

Submission:

Labcorp Genetics (formerly Invitae), Labcorp
Classification: Uncertain significance for Charcot-Marie-Tooth disease type 2. Last evaluated: 2024-11-28. Review status: criteria provided, single submitter. Criteria: Invitae Variant Classification Sherloc (09022015). Collection method: clinical testing. Allele origin: germline.
Comment: This sequence change replaces arginine, which is basic and polar, with proline, which is neutral and non-polar, at codon 13 of the GARS protein (p.Arg13Pro). This variant is present in population databases (no rsID available, gnomAD 0.002%). This variant has not been reported in the literature in individuals affected with GARS-related conditions. ClinVar contains an entry for this variant (Variation ID: 476757). Experimental studies and prediction algorithms are not available or were not evaluated, and the functional significance of this variant is currently unknown. In summary, the available evidence is currently insufficient to determine the role of this variant in disease. Therefore, it has been classified as a Variant of Uncertain Significance.

NM_002047.4(GARS1):c.38_39delinsCT (p.Arg13Pro)

Gene: GARS1 (glycyl-tRNA synthetase 1; plus strand). Cytogenetic location: 7p14.3.
Variant type: Indel.
Coding change: c.38_39delinsCT on transcript NM_002047.4 (MANE Select); coding-DNA positions 38 to 39, GC replaced by CT.
Protein change: p.Arg13Pro; replaces arginine 13 with proline.
Molecular consequence: missense variant. On other transcripts: 5 prime UTR variant (1).
Genome position (GRCh38, 1-based): chr7:30,594,959-30,594,960, GC replaced by CT. VCF-style: chr7-30594959-GC-CT. GRCh37 (hg19) VCF-style: chr7-30634575-GC-CT.
Other names: c.38_39delinsCT (NM_002047.2); c.38_39delGCinsCT (LRG_243t1); c.-125_-124delinsCT (NM_001316772.1); short protein forms R13P.
Identifiers: ClinVar variation 476757 (VCV000476757.9), dbSNP rs1554336495, ClinGen allele CA658657667.